The following is an entry in ClinVar:

NM_001006658.3(CR2):c.9C>T (p.Ala3=)

Gene: CR2 (complement C3d receptor 2; plus strand). Cytogenetic location: 1q32.2.
Variant type: single nucleotide variant.
Coding change: c.9C>T on transcript NM_001006658.3 (MANE Select); coding-DNA position 9, C replaced by T.
Protein change: p.Ala3=; no amino-acid change (alanine 3 retained).
Molecular consequence: synonymous variant.
Genome position (GRCh38, 1-based): chr1:207,454,427, C>T. VCF-style: chr1-207454427-C-T. GRCh37 (hg19) VCF-style: chr1-207627772-C-T.
Other names: c.9C>T, p.Ala3= (NM_001877.5).
Identifiers: ClinVar variation 1945610 (VCV001945610.27), dbSNP rs767276361, ClinGen allele CA1368329.

ClinVar aggregate classification (germline): Likely benign. Review status: criteria provided, multiple submitters, no conflicts (2 of 4 stars). 2 submissions from 2 submitters: Likely benign (2). Last evaluated 2024-02-01.

Conditions:
Immunodeficiency, common variable, 7. Identifiers: Orphanet 1572, Orphanet 696894, MedGen C3542922, MONDO:0013862, OMIM 614699.

Allele frequency attached by ClinVar (database versions not stated): gnomAD exomes 0.00001; ExAC 0.00002.
gnomAD v4.1: 12 of 1,584,008 alleles (0.00076%); highest among the groups gnomAD compares: South Asian, 0.012%; no homozygotes.

Submissions (2):

CeGaT Center for Human Genetics Tuebingen
Classification: Likely benign. Last evaluated: 2024-02-01. Review status: criteria provided, single submitter. Criteria: CeGaT Center For Human Genetics Tuebingen Variant Classification Criteria Version 2. Collection method: clinical testing. Allele origin: germline. Affected: yes. Observed: 1 variant allele.
Comment: CR2: BP4, BP7

Labcorp Genetics (formerly Invitae), Labcorp
Classification: Likely benign for Immunodeficiency, common variable, 7. Last evaluated: 2022-10-21. Review status: criteria provided, single submitter. Criteria: Invitae Variant Classification Sherloc (09022015). Collection method: clinical testing. Allele origin: germline.